The following is an entry in ClinVar:

NM_006009.4(TUBA1A):c.1057G>A (p.Val353Ile)

Gene: TUBA1A (tubulin alpha 1a; minus strand). Cytogenetic location: 12q13.12.
Variant type: single nucleotide variant.
Coding change: c.1057G>A on transcript NM_006009.4 (MANE Select); coding-DNA position 1057, G replaced by A.
Protein change: p.Val353Ile; replaces valine 353 with isoleucine.
Molecular consequence: missense variant.
Genome position (GRCh38, 1-based): chr12:49,185,309, C>T on the plus strand (G>A on the coding strand, the complement: TUBA1A is on the minus strand). VCF-style: chr12-49185309-C-T. GRCh37 (hg19) VCF-style: chr12-49579092-C-T.
Other names: c.1057G>A, p.Val353Ile (NM_001270399.2); c.952G>A, p.Val318Ile (NM_001270400.2); short protein forms V353I, V318I.
Identifiers: ClinVar variation 625479 (VCV000625479.2), dbSNP rs1565627023, ClinGen allele CA384636528.

ClinVar aggregate classification (germline): Likely pathogenic (1 of 4 stars; one submission).

Conditions:
Tubulinopathy. Also called: Tubulinopathies. Identifiers: MedGen CN850169, MONDO:0100153.

Submission:

Institute of Human Genetics, FAU Erlangen, Friedrich-Alexander-Universität Erlangen-Nürnberg
Classification: Likely pathogenic for Tubulinopathies. Last evaluated: 2018-07-01. Review status: criteria provided, single submitter. Criteria: ACMG Guidelines, 2015. Collection method: literature only. Allele origin: de novo. Affected: yes. Observed: 1 variant allele.
Comment: The c.1057G>A, p.(Val353Ile) variant has been reported as a variant of de novo origin. This variant and associated phenotype was previously reported by Bahi-Buisson et al. Brain, 2014 PMID: 24860126. Cortical gyral simplification (HP:0009879); no Abnormal cerebellum morphology (-HP:0001317); Gray matter heterotopia (HP:0002281); Microcephaly (HP:0000252)

Literature cited by the submitters: PubMed 30744660; DOI 10.1101/427948.